The following is an entry in ClinVar:

ClinVar aggregate classification (germline): Uncertain significance (1 of 4 stars; one submission).

Submission:

Labcorp Genetics (formerly Invitae), Labcorp
Classification: Uncertain significance. Last evaluated: 2023-03-23. Review status: criteria provided, single submitter. Criteria: Invitae Variant Classification Sherloc (09022015). Collection method: clinical testing. Allele origin: germline.
Comment: In summary, the available evidence is currently insufficient to determine the role of this variant in disease. Therefore, it has been classified as a Variant of Uncertain Significance. An algorithm developed to predict the effect of missense changes on protein structure and function (PolyPhen-2) suggests that this variant is likely to be tolerated. ClinVar contains an entry for this variant (Variation ID: 1946303). This variant has not been reported in the literature in individuals affected with CFAP410-related conditions. This variant is not present in population databases (gnomAD no frequency). This sequence change replaces arginine, which is basic and polar, with leucine, which is neutral and non-polar, at codon 247 of the CFAP410 protein (p.Arg247Leu).

NM_004928.3(CFAP410):c.740G>T (p.Arg247Leu)

Gene: CFAP410 (cilia and flagella associated protein 410; minus strand). Cytogenetic location: 21q22.3.
Variant type: single nucleotide variant.
Coding change: c.740G>T on transcript NM_004928.3 (MANE Select); coding-DNA position 740, G replaced by T.
Protein change: p.Arg247Leu; replaces arginine 247 with leucine.
Molecular consequence: missense variant.
Genome position (GRCh38, 1-based): chr21:44,330,229, C>A on the plus strand (G>T on the coding strand, the complement: CFAP410 is on the minus strand). VCF-style: chr21-44330229-C-A. GRCh37 (hg19) VCF-style: chr21-45750112-C-A.
Other names: c.737G>T, p.Arg246Leu (NM_001271440.2); c.1097G>T, p.Arg366Leu (NM_001271441.2); c.614G>T, p.Arg205Leu (NM_001271442.1); short protein forms R246L, R205L, R366L, R247L.
Identifiers: ClinVar variation 1946303 (VCV001946303.5), dbSNP rs185842266, ClinGen allele CA410448166.